The following is an entry in ClinVar:

ClinVar aggregate classification (germline): Uncertain significance (1 of 4 stars; one submission).

Submission:

Labcorp Genetics (formerly Invitae), Labcorp
Classification: Uncertain significance. Last evaluated: 2022-10-08. Review status: criteria provided, single submitter. Criteria: Invitae Variant Classification Sherloc (09022015). Collection method: clinical testing. Allele origin: germline.
Comment: This sequence change replaces arginine, which is basic and polar, with leucine, which is neutral and non-polar, at codon 49 of the DSG1 protein (p.Arg49Leu). In summary, the available evidence is currently insufficient to determine the role of this variant in disease. Therefore, it has been classified as a Variant of Uncertain Significance. Advanced modeling of protein sequence and biophysical properties (such as structural, functional, and spatial information, amino acid conservation, physicochemical variation, residue mobility, and thermodynamic stability) performed at Invitae indicates that this missense variant is not expected to disrupt DSG1 protein function. This variant has not been reported in the literature in individuals affected with DSG1-related conditions. This variant is not present in population databases (gnomAD no frequency).

NM_001942.4(DSG1):c.146G>T (p.Arg49Leu)

Gene: DSG1 (desmoglein 1; plus strand). Cytogenetic location: 18q12.1.
Variant type: single nucleotide variant.
Coding change: c.146G>T on transcript NM_001942.4 (MANE Select); coding-DNA position 146, G replaced by T.
Protein change: p.Arg49Leu; replaces arginine 49 with leucine.
Molecular consequence: missense variant.
Genome position (GRCh38, 1-based): chr18:31,326,935, G>T. VCF-style: chr18-31326935-G-T. GRCh37 (hg19) VCF-style: chr18-28906898-G-T.
Other names: short protein forms R49L.
Identifiers: ClinVar variation 1721317 (VCV001721317.5), dbSNP rs2144087833, ClinGen allele CA402127826.
Genomic context (GRCh38, chr18:31,326,935, plus strand): 5'-TAAGAGATTATAACACTAAAAATGGCACCATCAAATGGCATTCAATCCGAAGGCAGAAAC[G>T]TGAATGGATCAAGTTCGCAGCAGCCTGTCGTGAAGGTGAAGACAACTCAAAGAGGAACCC-3'
Protein context (NP_001933.2, residues 39-59): IKWHSIRRQK[Arg49Leu]EWIKFAAACR